The following is an entry in ClinVar:

NM_000264.5(PTCH1):c.1484T>G (p.Phe495Cys)

Gene: PTCH1 (patched 1; minus strand). Cytogenetic location: 9q22.32.
Variant type: single nucleotide variant.
Coding change: c.1484T>G on transcript NM_000264.5 (MANE Select); coding-DNA position 1484, T replaced by G.
Protein change: p.Phe495Cys; replaces phenylalanine 495 with cysteine.
Molecular consequence: missense variant. On other transcripts: non-coding transcript variant (1), intron variant (1).
Genome position (GRCh38, 1-based): chr9:95,477,566, A>C on the plus strand (T>G on the coding strand, the complement: PTCH1 is on the minus strand). VCF-style: chr9-95477566-A-C. GRCh37 (hg19) VCF-style: chr9-98239848-A-C.
Other names: c.1286T>G, p.Phe429Cys (NM_001083602.3); c.1481T>G, p.Phe494Cys (NM_001083603.3); c.1031T>G, p.Phe344Cys (NM_001083604.3, NM_001083605.3, NM_001083606.3 and 1 more transcripts); c.1347+489T>G (NM_001354918.2); short protein forms F344C, F429C, F494C, F495C.
Identifiers: ClinVar variation 4862679 (VCV004862679.1).

ClinVar aggregate classification (germline): Uncertain significance (1 of 4 stars; one submission).

Conditions:
Hereditary cancer-predisposing syndrome. Also called: Neoplastic Syndromes, Hereditary; Tumor predisposition; Hereditary Cancer Syndrome; Hereditary neoplastic syndrome. Identifiers: Orphanet 140162, MedGen C0027672, MeSH D009386, MONDO:0015356.

gnomAD v4.1: 1 of 1,614,188 alleles (0.000062%); highest among the groups gnomAD compares: Non-Finnish European, 0.000085%; no homozygotes.

Submission:

Ambry Genetics
Classification: Uncertain significance for Hereditary cancer-predisposing syndrome. Last evaluated: 2026-04-19. Review status: criteria provided, single submitter. Criteria: Ambry Variant Classification Scheme 2023. Collection method: clinical testing. Allele origin: germline.
Comment: The p.F495C variant (also known as c.1484T>G), located in coding exon 10 of the PTCH1 gene, results from a T to G substitution at nucleotide position 1484. The phenylalanine at codon 495 is replaced by cysteine, an amino acid with highly dissimilar properties. This amino acid position is conserved. In addition, this alteration is predicted to be deleterious by in silico analysis. Based on the available evidence, the clinical significance of this variant remains unclear.